The following is an entry in ClinVar:

NM_001318852.2(MAPK8IP3):c.3142C>T (p.His1048Tyr)

Gene: MAPK8IP3 (mitogen-activated protein kinase 8 interacting protein 3; plus strand). Cytogenetic location: 16p13.3.
Variant type: single nucleotide variant.
Coding change: c.3142C>T on transcript NM_001318852.2 (MANE Select); coding-DNA position 3142, C replaced by T.
Protein change: p.His1048Tyr; replaces histidine 1048 with tyrosine.
Molecular consequence: missense variant.
Genome position (GRCh38, 1-based): chr16:1,767,202, C>T. VCF-style: chr16-1767202-C-T. GRCh37 (hg19) VCF-style: chr16-1817203-C-T.
Other names: c.3139C>T, p.His1047Tyr (NM_015133.5, NM_033392.3); c.3121C>T, p.His1041Tyr (NM_001040439.2); short protein forms H1041Y, H1047Y, H1048Y.
Identifiers: ClinVar variation 2645932 (VCV002645932.24), dbSNP rs1168369098, ClinGen allele CA394237319.
Genomic context (GRCh38, chr16:1,767,202, plus strand): 5'-CCTCCAGATGGCCAGTGGGATCTGAGCAACTATCACCTAATGGACCTGGGCCACCCGCAC[C>T]ACTCCATCCGCTGCATGGCTGTTGTGTACGACCGCGTGTGGTGTGGCTACAAGAACAAGG-3'
Protein context (NP_001305781.1, residues 1038-1058): YHLMDLGHPH[His1048Tyr]SIRCMAVVYD

ClinVar aggregate classification (germline): Uncertain significance (1 of 4 stars; one submission).

gnomAD v4.1: 2 of 1,613,390 alleles (0.00012%); highest among the groups gnomAD compares: Non-Finnish European, 0.00017%; no homozygotes.

Submission:

CeGaT Center for Human Genetics Tuebingen
Classification: Uncertain significance. Last evaluated: 2022-08-01. Review status: criteria provided, single submitter. Criteria: CeGaT Center For Human Genetics Tuebingen Variant Classification Criteria Version 2. Collection method: clinical testing. Allele origin: germline. Affected: yes. Observed: 1 variant allele.
Comment: MAPK8IP3: PM2